The following is an entry in ClinVar:

NM_007078.3(LDB3):c.896+3A>G

Gene: LDB3 (LIM domain binding 3; plus strand). Cytogenetic location: 10q23.2.
Variant type: single nucleotide variant.
Coding change: c.896+3A>G on transcript NM_007078.3 (MANE Select); 3 bases into the intron after coding-DNA position 896, A replaced by G.
Molecular consequence: intron variant.
Genome position (GRCh38, 1-based): chr10:86,692,574, A>G. VCF-style: chr10-86692574-A-G. GRCh37 (hg19) VCF-style: chr10-88452331-A-G.
Other names: c.896+3A>G (NM_001368064.1, NM_001368063.1, NM_001368065.1 and 1 more transcripts); c.755+3A>G (NM_001368068.1, NM_001368066.1, NM_001080114.2 and 2 more transcripts); c.1100+3A>G (NM_001171610.2, NM_001171611.2).
Identifiers: ClinVar variation 4772872 (VCV004772872.1).
Genomic context (GRCh38, chr10:86,692,574, plus strand): 5'-CCAGCTCCTTTCTACCAACAGTGCAAGACCCTGATGAAGAAGCTCTGCGAAGGTCAAGGT[A>G]AGTGCCTGGACTCAGGCTCTGTGGCCTTGCCCTCTAGCCCCGTCCCTCCCCGGGCAGCCC-3'

ClinVar aggregate classification (germline): Uncertain significance (1 of 4 stars; one submission).

Conditions:
Myofibrillar myopathy 4. Also called: Zaspopathy (type). Identifiers: Orphanet 98912, MedGen C4721886, MONDO:0012277, OMIM 609452.

Submission:

Labcorp Genetics (formerly Invitae), Labcorp
Classification: Uncertain significance for Myofibrillar myopathy 4. Last evaluated: 2025-10-22. Review status: criteria provided, single submitter. Criteria: Invitae Variant Classification Sherloc (09022015). Collection method: clinical testing. Allele origin: germline.
Comment: This sequence change falls in intron 7 of the LDB3 gene. It does not directly change the encoded amino acid sequence of the LDB3 protein. It affects a nucleotide within the consensus splice site. This variant is not present in population databases (gnomAD no frequency). This variant has not been reported in the literature in individuals affected with LDB3-related conditions. Variants that disrupt the consensus splice site are a relatively common cause of aberrant splicing (PMID: 17576681, 9536098). Algorithms developed to predict the effect of sequence changes on RNA splicing suggest that this variant is not likely to affect RNA splicing. In summary, the available evidence is currently insufficient to determine the role of this variant in disease. Therefore, it has been classified as a Variant of Uncertain Significance.

Literature cited by the submitters: PubMed 17576681; PubMed 9536098.